The following is an entry in ClinVar:

NM_006302.3(MOGS):c.83G>A (p.Gly28Glu)

Genes: MOGS (mannosyl-oligosaccharide glucosidase; minus strand), LOC129934128 (ATAC-STARR-seq lymphoblastoid silent region 11664; plus strand). Cytogenetic location: 2p13.1.
Variant type: single nucleotide variant.
Coding change: c.83G>A on transcript NM_006302.3 (MANE Select); coding-DNA position 83, G replaced by A.
Protein change: p.Gly28Glu; replaces glycine 28 with glutamic acid.
Molecular consequence: missense variant. On other transcripts: intron variant (1).
Genome position (GRCh38, 1-based): chr2:74,465,165, C>T on the plus strand (G>A on the coding strand, the complement: MOGS is on the minus strand). VCF-style: chr2-74465165-C-T. GRCh37 (hg19) VCF-style: chr2-74692292-C-T.
Other names: c.-59+149G>A (NM_001146158.2); short protein forms G28E.
Identifiers: ClinVar variation 1399456 (VCV001399456.6), dbSNP rs2103986028, ClinGen allele CA347383570.

ClinVar aggregate classification (germline): Uncertain significance (1 of 4 stars; one submission).

Conditions:
MOGS-congenital disorder of glycosylation. Also called: CDG 2B; GLUCOSIDASE I DEFICIENCY; MOGS-CDG; CDG IIb. Identifiers: Orphanet 79330, MedGen C1853736, MONDO:0011629, OMIM 606056.

Allele frequency attached by ClinVar (database versions not stated): gnomAD exomes below 0.00001.
gnomAD v4.1: 1 of 1,531,036 alleles (0.000065%); highest among the groups gnomAD compares: South Asian, 0.0012%; no homozygotes.

Submission:

Labcorp Genetics (formerly Invitae), Labcorp
Classification: Uncertain significance for MOGS-congenital disorder of glycosylation. Last evaluated: 2021-09-21. Review status: criteria provided, single submitter. Criteria: Invitae Variant Classification Sherloc (09022015). Collection method: clinical testing. Allele origin: germline.
Comment: In summary, the available evidence is currently insufficient to determine the role of this variant in disease. Therefore, it has been classified as a Variant of Uncertain Significance. Algorithms developed to predict the effect of missense changes on protein structure and function output the following: SIFT: "Tolerated"; PolyPhen-2: "Benign"; Align-GVGD: "Class C0". The glutamic acid amino acid residue is found in multiple mammalian species, which suggests that this missense change does not adversely affect protein function. This variant has not been reported in the literature in individuals affected with MOGS-related conditions. The frequency data for this variant in the population databases is considered unreliable, as metrics indicate insufficient coverage at this position in the ExAC database. This sequence change replaces glycine with glutamic acid at codon 28 of the MOGS protein (p.Gly28Glu). The glycine residue is weakly conserved and there is a moderate physicochemical difference between glycine and glutamic acid.